The following is an entry in ClinVar:

ClinVar aggregate classification (germline): Uncertain significance (1 of 4 stars; one submission).

Submission:

Labcorp Genetics (formerly Invitae), Labcorp
Classification: Uncertain significance. Last evaluated: 2023-03-21. Review status: criteria provided, single submitter. Criteria: Invitae Variant Classification Sherloc (09022015). Collection method: clinical testing. Allele origin: germline.
Comment: This sequence change replaces proline, which is neutral and non-polar, with threonine, which is neutral and polar, at codon 1000 of the COL2A1 protein (p.Pro1000Thr). This variant is not present in population databases (gnomAD no frequency). This variant has not been reported in the literature in individuals affected with COL2A1-related conditions. Advanced modeling of protein sequence and biophysical properties (such as structural, functional, and spatial information, amino acid conservation, physicochemical variation, residue mobility, and thermodynamic stability) performed at Invitae indicates that this missense variant is not expected to disrupt COL2A1 protein function. In summary, the available evidence is currently insufficient to determine the role of this variant in disease. Therefore, it has been classified as a Variant of Uncertain Significance.

NM_001844.5(COL2A1):c.2998C>A (p.Pro1000Thr)

Gene: COL2A1 (collagen type II alpha 1 chain; minus strand). Cytogenetic location: 12q13.11.
Variant type: single nucleotide variant.
Coding change: c.2998C>A on transcript NM_001844.5 (MANE Select); coding-DNA position 2998, C replaced by A.
Protein change: p.Pro1000Thr; replaces proline 1000 with threonine.
Molecular consequence: missense variant.
Genome position (GRCh38, 1-based): chr12:47,978,296, G>T on the plus strand (C>A on the coding strand, the complement: COL2A1 is on the minus strand). VCF-style: chr12-47978296-G-T. GRCh37 (hg19) VCF-style: chr12-48372079-G-T.
Other names: c.2791C>A, p.Pro931Thr (NM_033150.3); short protein forms P931T, P1000T.
Identifiers: ClinVar variation 2835553 (VCV002835553.3), dbSNP rs2540111620, ClinGen allele CA384541100.